The following is an entry in ClinVar:

NC_000001.10:g.(?_16058407)_(16059004_?)del

Gene: PLEKHM2 (pleckstrin homology and RUN domain containing M2; plus strand). Cytogenetic location: 1p36.21.
Variant type: Deletion.
Identifiers: ClinVar variation 2426085 (VCV002426085.4).

ClinVar aggregate classification (germline): Uncertain significance (1 of 4 stars; one submission).

Conditions:
Dilated Cardiomyopathy, Recessive.

Submission:

Labcorp Genetics (formerly Invitae), Labcorp
Classification: Uncertain significance. Last evaluated: 2022-03-08. Review status: criteria provided, single submitter. Criteria: Invitae Variant Classification Sherloc (09022015). Collection method: clinical testing. Allele origin: germline.
Comment: This variant has not been reported in the literature in individuals affected with PLEKHM2-related conditions. This variant results in the deletion of part of exons 17 and 18 (c.2490_2786del) of the PLEKHM2 gene. This variant would be expected to be in-frame, preserving the integrity of the reading frame. Experimental studies and prediction algorithms are not available or were not evaluated, and the functional significance of this variant is currently unknown. In summary, the available evidence is currently insufficient to determine the role of this variant in disease. Therefore, it has been classified as a Variant of Uncertain Significance.